The following is an entry in ClinVar:

NM_001943.5(DSG2):c.385G>T (p.Gly129Cys)

Gene: DSG2 (desmoglein 2; plus strand). Cytogenetic location: 18q12.1.
Variant type: single nucleotide variant.
Coding change: c.385G>T on transcript NM_001943.5 (MANE Select); coding-DNA position 385, G replaced by T.
Protein change: p.Gly129Cys; replaces glycine 129 with cysteine.
Molecular consequence: missense variant.
Genome position (GRCh38, 1-based): chr18:31,521,105, G>T. VCF-style: chr18-31521105-G-T. GRCh37 (hg19) VCF-style: chr18-29101068-G-T.
Other names: short protein forms G129C.
Identifiers: ClinVar variation 942861 (VCV000942861.11), dbSNP rs2073125035, ClinGen allele CA402131803.

ClinVar aggregate classification (germline): Uncertain significance. Review status: criteria provided, multiple submitters, no conflicts (2 of 4 stars). 2 submissions from 2 submitters: Uncertain significance (2). Last evaluated 2024-07-01.

Conditions:
Arrhythmogenic right ventricular dysplasia 10. Also called: Arrhythmogenic Right Ventricular Dysplasia/Cardiomyopathy10; ARRHYTHMOGENIC RIGHT VENTRICULAR DYSPLASIA, FAMILIAL, 10; Arrhythmogenic right ventricular dysplasia/cardiomyopathy, type 10. Identifiers: MedGen C1857777, MONDO:0012434, OMIM 610193.
Cardiovascular phenotype. Identifiers: MedGen CN230736.

Submissions (2):

Labcorp Genetics (formerly Invitae), Labcorp
Classification: Uncertain significance for Arrhythmogenic right ventricular dysplasia 10. Last evaluated: 2024-07-01. Review status: criteria provided, single submitter. Criteria: Invitae Variant Classification Sherloc (09022015). Collection method: clinical testing. Allele origin: germline.
Comment: This sequence change replaces glycine, which is neutral and non-polar, with cysteine, which is neutral and slightly polar, at codon 129 of the DSG2 protein (p.Gly129Cys). This variant is not present in population databases (gnomAD no frequency). This variant has not been reported in the literature in individuals affected with DSG2-related conditions. ClinVar contains an entry for this variant (Variation ID: 942861). Advanced modeling of protein sequence and biophysical properties (such as structural, functional, and spatial information, amino acid conservation, physicochemical variation, residue mobility, and thermodynamic stability) performed at Invitae indicates that this missense variant is not expected to disrupt DSG2 protein function with a negative predictive value of 95%. In summary, the available evidence is currently insufficient to determine the role of this variant in disease. Therefore, it has been classified as a Variant of Uncertain Significance.

Ambry Genetics
Classification: Uncertain significance for Cardiovascular phenotype. Last evaluated: 2021-01-05. Review status: criteria provided, single submitter. Criteria: Ambry Variant Classification Scheme 2023. Collection method: clinical testing. Allele origin: germline.
Comment: The p.G129C variant (also known as c.385G>T), located in coding exon 5 of the DSG2 gene, results from a G to T substitution at nucleotide position 385. The glycine at codon 129 is replaced by cysteine, an amino acid with highly dissimilar properties. This amino acid position is well conserved in available vertebrate species; however, cysteine is the reference amino acid in other vertebrate species. In addition, this alteration is predicted to be tolerated by in silico analysis. Since supporting evidence is limited at this time, the clinical significance of this alteration remains unclear.